The following is an entry in ClinVar:

ClinVar aggregate classification (germline): Benign. Review status: criteria provided, multiple submitters, no conflicts (2 of 4 stars). 2 submissions from 2 submitters: Benign (2). Last evaluated 2026-07-01.

Conditions:
Glycogen storage disease, type II (IOPD). Also called: CARDIOMEGALIA GLYCOGENICA DIFFUSA; GLYCOGENOSIS, GENERALIZED, CARDIAC FORM; GSD II; POMPE DISEASE, INFANTILE-ONSET; GLYCOGEN STORAGE DISEASE II, INFANTILE-ONSET; ACID ALPHA-GLUCOSIDASE DEFICIENCY, INFANTILE-ONSET. Identifiers: Orphanet 365, MedGen C0017921, MONDO:0009290, OMIM 232300.

Allele frequency attached by ClinVar (database versions not stated): gnomAD 0.10981 and 0.11134; TOPMed 0.11018; gnomAD exomes 0.11614; 1000 Genomes Project 0.14477; 1000 Genomes Project 30x 0.14553.

Submissions (2):

Genomenon, Inc
Classification: Benign for Glycogen storage disease, type II. Last evaluated: 2026-07-01. Review status: criteria provided, single submitter. Criteria: Genomenon Sequence Variant Interpretation Standards - Updated. Collection method: curation. Allele origin: germline. Affected: no.
Comment: GAA c.*139dup is a duplication variant located in the 3′ untranslated region (3′ UTR). This variant is present at high allele frequency in population databases. We classify GAA c.*139dup as a benign variant.

GeneDx
Classification: Benign. Last evaluated: 2019-03-16. Review status: criteria provided, single submitter. Criteria: GeneDx Variant Classification Process June 2021. Collection method: clinical testing. Allele origin: germline. Affected: yes.

NM_000152.5(GAA):c.*139dup

Gene: GAA (alpha glucosidase; plus strand). Cytogenetic location: 17q25.3.
Variant type: Duplication.
Coding change: c.*139dup on transcript NM_000152.5 (MANE Select); 139 bases downstream of the stop codon, one base duplicated (G; older notation c.*139dupG).
Molecular consequence: 3 prime UTR variant.
Genome position (GRCh38, 1-based): chr17:80,119,470, G duplicated. VCF-style (leftmost placement, unchanged base first): chr17-80119469-C-CG. GRCh37 (hg19) VCF-style: chr17-78093268-C-CG.
Other names: c.*139dup (LRG_673t1, NM_001079803.3, NM_001079804.3).
Identifiers: ClinVar variation 325802 (VCV000325802.7), dbSNP rs865903736, ClinGen allele CA10651262.